The following is an entry in ClinVar:

NM_000901.5(NR3C2):c.743C>T (p.Ser248Leu)

Gene: NR3C2 (nuclear receptor subfamily 3 group C member 2; minus strand). Cytogenetic location: 4q31.23.
Variant type: single nucleotide variant.
Coding change: c.743C>T on transcript NM_000901.5 (MANE Select); coding-DNA position 743, C replaced by T.
Protein change: p.Ser248Leu; replaces serine 248 with leucine.
Molecular consequence: missense variant. On other transcripts: non-coding transcript variant (1).
Genome position (GRCh38, 1-based): chr4:148,436,118, G>A on the plus strand (C>T on the coding strand, the complement: NR3C2 is on the minus strand). VCF-style: chr4-148436118-G-A. GRCh37 (hg19) VCF-style: chr4-149357270-G-A.
Other names: c.743C>T, p.Ser248Leu (NM_001166104.2, NM_001354819.1, NM_001437654.1 and 4 more transcripts); short protein forms S248L.
Identifiers: ClinVar variation 4744257 (VCV004744257.1).
Genomic context (GRCh38, chr4:148,436,118, plus strand): 5'-ATGCTACTTAACGGACTTGAGAGAGGAGAGCCCACATTGCTAGCATGTGCAGGGCTGTGC[G>A]ACCTGGAGCCTCGATTTTCAACATTAGGGGAGCATGTCAGAGGAGTTCCCTGGGTGATTG-3'
Protein context (NP_000892.2, residues 238-258): SPNVENRGSR[Ser248Leu]HSPAHASNVG

ClinVar aggregate classification (germline): Uncertain significance (1 of 4 stars; one submission).

Submission:

Labcorp Genetics (formerly Invitae), Labcorp
Classification: Uncertain significance. Last evaluated: 2025-05-19. Review status: criteria provided, single submitter. Criteria: Invitae Variant Classification Sherloc (09022015). Collection method: clinical testing. Allele origin: germline.
Comment: This sequence change replaces serine, which is neutral and polar, with leucine, which is neutral and non-polar, at codon 248 of the NR3C2 protein (p.Ser248Leu). This variant is not present in population databases (gnomAD no frequency). This variant has not been reported in the literature in individuals affected with NR3C2-related conditions. Invitae Evidence Modeling of protein sequence and biophysical properties (such as structural, functional, and spatial information, amino acid conservation, physicochemical variation, residue mobility, and thermodynamic stability) indicates that this missense variant is not expected to disrupt NR3C2 protein function with a negative predictive value of 80%. In summary, the available evidence is currently insufficient to determine the role of this variant in disease. Therefore, it has been classified as a Variant of Uncertain Significance.